The following is an entry in ClinVar:

ClinVar aggregate classification (germline): Uncertain significance (1 of 4 stars; one submission).

Conditions:
Early-infantile DEE. Also called: Ohtahara syndrome; Early infantile epileptic encephalopathy; Early infantile epileptic encephalopathy with suppression bursts. Identifiers: Orphanet 1934, MedGen C0393706, MONDO:0800491.

Allele frequency attached by ClinVar (database versions not stated): gnomAD exomes below 0.00001 and 0.00001; ExAC 0.00002.
gnomAD v4.1: 2 of 1,613,478 alleles (0.00012%); highest among the groups gnomAD compares: Non-Finnish European, 0.00017%; no homozygotes.

Submissions (7):

Labcorp Genetics (formerly Invitae), Labcorp
Classification: Uncertain significance for Early-infantile DEE. Last evaluated: 2017-09-25. Review status: criteria provided, single submitter. Criteria: Invitae Variant Classification Sherloc (09022015). Collection method: clinical testing. Allele origin: germline.
Comment: In summary, the available evidence is currently insufficient to determine the role of this variant in disease. Therefore, it has been classified as a Variant of Uncertain Significance. Algorithms developed to predict the effect of sequence changes on RNA splicing suggest that this variant may create or strengthen a splice site, but this prediction has not been confirmed by published transcriptional studies. Algorithms developed to predict the effect of missense changes on protein structure and function (SIFT, PolyPhen-2, Align-GVGD) all suggest that this variant is likely to be tolerated, but these predictions have not been confirmed by published functional studies and their clinical significance is uncertain. This variant has not been reported in the literature in individuals with KCNQ2-related disease. This variant is present in population databases (rs747050726, ExAC 0.003%). This sequence change replaces isoleucine with valine at codon 238 of the KCNQ2 protein (p.Ile238Val). The isoleucine residue is highly conserved and there is a small physicochemical difference between isoleucine and valine.

Channelopathy-Associated Epilepsy Research Center
No classification provided (evidence only). Condition: Complex neurodevelopmental disorder. Review status: no classification provided. Collection method: literature only. Allele origin: not applicable. Functional consequence: Severe decrease in peak current, Normal rate of activation, Normal voltage dependence of activation. Not counted in ClinVar's aggregate classification.
ClinVar note: "not provided" was previously submitted as the classification for the variant. However, the classification appeared to be based only on an observation of functional data so it was converted to no classification on 2025-07-30.

Channelopathy-Associated Epilepsy Research Center
No classification provided (evidence only). Review status: no classification provided. Collection method: in vitro. Allele origin: not applicable. Functional consequence: Normal peak current. Not counted in ClinVar's aggregate classification.

Channelopathy-Associated Epilepsy Research Center
No classification provided (evidence only). Review status: no classification provided. Collection method: in vitro. Allele origin: not applicable. Functional consequence: Normal peak current. Not counted in ClinVar's aggregate classification.

Channelopathy-Associated Epilepsy Research Center
No classification provided (evidence only). Review status: no classification provided. Collection method: in vitro. Allele origin: not applicable. Functional consequence: Normal voltage dependence of activation. Not counted in ClinVar's aggregate classification.

Channelopathy-Associated Epilepsy Research Center
No classification provided (evidence only). Review status: no classification provided. Collection method: in vitro. Allele origin: not applicable. Functional consequence: Normal slope of activation. Not counted in ClinVar's aggregate classification.

Channelopathy-Associated Epilepsy Research Center
No classification provided (evidence only). Review status: no classification provided. Collection method: in vitro. Allele origin: not applicable. Functional consequence: Normal rate of activation. Not counted in ClinVar's aggregate classification.

Literature cited by the submitters: PubMed 35104249 (cited by Channelopathy-Associated Epilepsy Research Center).

NM_172107.4(KCNQ2):c.712A>G (p.Ile238Val)

Gene: KCNQ2 (potassium voltage-gated channel subfamily Q member 2; minus strand). Cytogenetic location: 20q13.33.
Variant type: single nucleotide variant.
Coding change: c.712A>G on transcript NM_172107.4 (MANE Select); coding-DNA position 712, A replaced by G.
Protein change: p.Ile238Val; replaces isoleucine 238 with valine.
Molecular consequence: missense variant.
Genome position (GRCh38, 1-based): chr20:63,442,510, T>C on the plus strand (A>G on the coding strand, the complement: KCNQ2 is on the minus strand). VCF-style: chr20-63442510-T-C. GRCh37 (hg19) VCF-style: chr20-62073863-T-C.
Other names: c.712A>G, p.Ile238Val (NM_004518.6, NM_172106.3, NM_172108.5 and 1 more transcripts); short protein forms I238V.
Identifiers: ClinVar variation 530433 (VCV000530433.12), dbSNP rs747050726, ClinGen allele CA9958748.